The following is an entry in ClinVar:

ClinVar aggregate classification (germline): Benign/Likely benign. Review status: criteria provided, multiple submitters, no conflicts (2 of 4 stars). 3 submissions from 3 submitters: Benign (1); Likely benign (2). Last evaluated 2026-02-01.

Conditions:
Mitochondrial DNA depletion syndrome 9 (MTDPS9). Also called: SUCLG1-Related Mitochondrial DNA Depletion Syndrome, Encephalomyopathic Form with Methylmalonic Aciduria. Identifiers: Orphanet 17, MedGen C3151476, MONDO:0009504, OMIM 245400.

Allele frequency attached by ClinVar (database versions not stated): gnomAD exomes 0.00031 and 0.00084; ExAC 0.00101; gnomAD 0.00306 and 0.00323; ESP Exome Variant Server 0.00323; TOPMed 0.00351; 1000 Genomes Project 0.00419; 1000 Genomes Project 30x 0.00437.
gnomAD v4.1: 941 of 1,613,872 alleles (0.058%); highest among the groups gnomAD compares: African/African-American, 1.1%; 2 homozygotes.

Submissions (3):

Labcorp Genetics (formerly Invitae), Labcorp
Classification: Benign for Mitochondrial DNA depletion syndrome 9. Last evaluated: 2026-02-01. Review status: criteria provided, single submitter. Criteria: Invitae Variant Classification Sherloc (09022015). Collection method: clinical testing. Allele origin: germline.

Blueprint Genetics
Classification: Likely benign. Last evaluated: 2024-10-18. Review status: criteria provided, single submitter. Criteria: ACMG Guidelines, 2015. Collection method: clinical testing. Allele origin: germline.

GeneDx
Classification: Likely benign. Last evaluated: 2017-10-13. Review status: criteria provided, single submitter. Criteria: GeneDx Variant Classification (06012015). Collection method: clinical testing. Allele origin: germline. Affected: yes.
Comment: This variant is considered likely benign or benign based on one or more of the following criteria: it is a conservative change, it occurs at a poorly conserved position in the protein, it is predicted to be benign by multiple in silico algorithms, and/or has population frequency not consistent with disease.

NM_003849.4(SUCLG1):c.825+18A>G

Gene: SUCLG1 (succinate-CoA ligase GDP/ADP-forming subunit alpha; minus strand). Cytogenetic location: 2p11.2.
Variant type: single nucleotide variant.
Coding change: c.825+18A>G on transcript NM_003849.4 (MANE Select); 18 bases into the intron after coding-DNA position 825, A replaced by G.
Molecular consequence: intron variant.
Genome position (GRCh38, 1-based): chr2:84,431,490, T>C on the plus strand (A>G on the coding strand, the complement: SUCLG1 is on the minus strand). VCF-style: chr2-84431490-T-C. GRCh37 (hg19) VCF-style: chr2-84658614-T-C.
Identifiers: ClinVar variation 378694 (VCV000378694.11), dbSNP rs143229361, ClinGen allele CA1736171.